The following is an entry in ClinVar:

ClinVar aggregate classification (germline): Uncertain significance (1 of 4 stars; one submission).

Submission:

GeneDx
Classification: Uncertain significance. Last evaluated: 2025-01-27. Review status: criteria provided, single submitter. Criteria: GeneDx Variant Classification Process June 2021. Collection method: clinical testing. Allele origin: germline. Affected: yes.
Comment: Frameshift variant predicted to result in protein truncation or nonsense mediated decay in a gene or region of a gene for which loss of function is not a well-established mechanism of disease; Not observed at significant frequency in large population cohorts (gnomAD); Has not been previously published as pathogenic or benign to our knowledge

NM_000937.5(POLR2A):c.1585del (p.Gln529fs)

Gene: POLR2A (RNA polymerase II subunit A; plus strand). Cytogenetic location: 17p13.1.
Variant type: Deletion.
Coding change: c.1585del on transcript NM_000937.5 (MANE Select); coding-DNA position 1585, one base deleted (C; older notation c.1585delC).
Protein change: p.Gln529fs; shifts the reading frame from glutamine 529.
Molecular consequence: frameshift variant.
Genome position (GRCh38, 1-based): chr17:7,499,405, C deleted; the last of 6 consecutive C bases (chr17:7,499,400-7,499,405); deleting any one gives the same sequence. VCF-style (leftmost placement, unchanged base first): chr17-7499399-AC-A. GRCh37 (hg19) VCF-style: chr17-7402718-AC-A.
Other names: short protein forms Q529fs.
Identifiers: ClinVar variation 4071854 (VCV004071854.1).
Genomic context (GRCh38, chr17:7,499,399, plus strand): 5'-CAGTCTCTGGAGACGCGAGCAGAGATCCAGGAGCTGGCCATGGTTCCTCGCATGATTGTC[AC>A]CCCCCAGAGCAATCGGCCTGTCATGGGTATTGTGCAGGACACACTCACAGCAGTGCGCAA-3'